The following is an entry in ClinVar:

ClinVar aggregate classification (germline): Pathogenic/Likely pathogenic. Review status: criteria provided, multiple submitters, no conflicts (2 of 4 stars). 3 submissions from 3 submitters: Pathogenic (1); Likely pathogenic (2). Last evaluated 2025-05-13.

Conditions:
Familial cancer of breast. Also called: hereditary breast carcinoma; BREAST CANCER, FAMILIAL; Hereditary breast cancer. Identifiers: Orphanet 227535, MedGen C0346153, MONDO:0016419, OMIM 114480. Disease mechanism: loss of function.
Hereditary cancer-predisposing syndrome. Also called: Hereditary neoplastic syndrome; Neoplastic Syndromes, Hereditary; Tumor predisposition; Hereditary Cancer Syndrome. Identifiers: Orphanet 140162, MedGen C0027672, MeSH D009386, MONDO:0015356.

Submissions (3):

Ambry Genetics
Classification: Likely pathogenic for Hereditary cancer-predisposing syndrome. Last evaluated: 2025-05-13. Review status: criteria provided, single submitter. Criteria: Ambry Variant Classification Scheme 2023. Collection method: clinical testing. Allele origin: germline.
Comment: The c.1481delA variant, located in coding exon 13 of the CHEK2 gene, results from a deletion of one nucleotide at nucleotide position 1481, causing a translational frameshift with a predicted alternate stop codon (p.K494Sfs*19). This alteration occurs at the 3' terminus of theCHEK2 gene, is not expected to trigger nonsense-mediated mRNA decay, and impacts the last 9% of the protein. However, premature stop codons are typically deleterious in nature and a significant portion of the protein is affected (Ambry internal data). This variant is considered to be rare based on population cohorts in the Genome Aggregation Database (gnomAD). Based on the majority of available evidence to date, this variant is likely to be pathogenic.

Center for Genomic Medicine, Rigshospitalet, Copenhagen University Hospital
Classification: Likely pathogenic. Last evaluated: 2025-03-04. Review status: criteria provided, single submitter. Criteria: ACMG Guidelines, 2015. Collection method: clinical testing. Allele origin: germline.

Labcorp Genetics (formerly Invitae), Labcorp
Classification: Pathogenic for Familial cancer of breast. Last evaluated: 2023-07-16. Review status: criteria provided, single submitter. Criteria: Invitae Variant Classification Sherloc (09022015). Collection method: clinical testing. Allele origin: germline.
Comment: Experimental studies and prediction algorithms are not available or were not evaluated, and the functional significance of this variant is currently unknown. This sequence change creates a premature translational stop signal (p.Lys494Serfs*19) in the CHEK2 gene. While this is not anticipated to result in nonsense mediated decay, it is expected to disrupt the last 50 amino acid(s) of the CHEK2 protein. This variant is not present in population databases (gnomAD no frequency). This variant has not been reported in the literature in individuals affected with CHEK2-related conditions. ClinVar contains an entry for this variant (Variation ID: 837154). For these reasons, this variant has been classified as Pathogenic. This variant disrupts a region of the CHEK2 protein in which other variant(s) (p.Ser516Leufs*50, p.Arg519*) have been determined to be pathogenic (PMID: 12909615, 18004398, 24879340). This suggests that this is a clinically significant region of the protein, and that variants that disrupt it are likely to be disease-causing.

Literature cited by the submitters: PubMed 12909615 (cited by Center for Genomic Medicine, Rigshospitalet, Copenhagen University Hospital and Labcorp Genetics (formerly Invitae), Labcorp); PubMed 28888541 (cited by Center for Genomic Medicine, Rigshospitalet, Copenhagen University Hospital); PubMed 18004398 (cited by Labcorp Genetics (formerly Invitae), Labcorp); PubMed 24879340 (cited by Labcorp Genetics (formerly Invitae), Labcorp).

NM_007194.4(CHEK2):c.1481del (p.Lys494fs)

Gene: CHEK2 (checkpoint kinase 2; minus strand). Cytogenetic location: 22q12.1.
Variant type: Deletion.
Coding change: c.1481del on transcript NM_007194.4 (MANE Select); coding-DNA position 1481, one base deleted (A; older notation c.1481delA).
Protein change: p.Lys494fs; shifts the reading frame from lysine 494.
Molecular consequence: frameshift variant.
Genome position (GRCh38, 1-based): chr22:28,689,196, T deleted on the plus strand (A on the coding strand, the reverse complement: CHEK2 is on the minus strand); the first of 3 consecutive T bases (chr22:28,689,196-28,689,198); deleting any one gives the same sequence. VCF-style (leftmost placement, unchanged base first): chr22-28689195-CT-C. GRCh37 (hg19) VCF-style: chr22-29085183-CT-C.
Other names: c.1481delA (NM_007194.4, NM_007194.3); c.1608delA, p.Lys537Serfs (NM_001005735.3); c.816delA, p.Lys273Serfs (NM_001257387.3); c.1278delA, p.Lys427Serfs (NM_001349956.3); c.1392delA, p.Lys465Serfs (NM_145862.3); short protein forms K494fs, K537fs, K427fs, K273fs, K465fs.
Identifiers: ClinVar variation 837154 (VCV000837154.13), dbSNP rs2052247122, ClinGen allele CA916083790.